The following is an entry in ClinVar:

NM_004006.3(DMD):c.2380+16G>A

Gene: DMD (dystrophin; minus strand). Cytogenetic location: Xp21.1.
Variant type: single nucleotide variant.
Coding change: c.2380+16G>A on transcript NM_004006.3 (MANE Select); 16 bases into the intron after coding-DNA position 2380, G replaced by A.
Molecular consequence: intron variant.
Genome position (GRCh38, 1-based): chrX:32,501,739, C>T on the plus strand (G>A on the coding strand, the complement: DMD is on the minus strand). VCF-style: chrX-32501739-C-T. GRCh37 (hg19) VCF-style: chrX-32519856-C-T.
Other names: c.2356+16G>A (NM_000109.4); c.2368+16G>A (NM_004009.3); c.2011+16G>A (NM_004010.3); c.2380+16G>A (NM_004006.2).
Identifiers: ClinVar variation 1575266 (VCV001575266.9), dbSNP rs371594190, ClinGen allele CA10379542.
Genomic context (GRCh38, chrX:32,501,739, plus strand): 5'-AATTCAGCTGATAAATATGAACCTATGTGTTTATCAAATCCCTAAGAAGATTATCTAAAT[C>T]AACTCGTGTAATTACCATTCACCATCTGTTCCACCAGGGCCTGAGCTGATCTGCTGGCAT-3'

ClinVar aggregate classification (germline): Conflicting classifications of pathogenicity. Review status: criteria provided, conflicting classifications (1 of 4 stars). 2 submissions from 2 submitters: Uncertain significance (1); Likely benign (1). Last evaluated 2026-01-19.

Conditions:
Cardiovascular phenotype. Identifiers: MedGen CN230736.
Duchenne muscular dystrophy (DMD). Also called: MUSCULAR DYSTROPHY, PSEUDOHYPERTROPHIC PROGRESSIVE, DUCHENNE TYPE; Duchenne Muscular Dystrophy (DMD). Identifiers: Orphanet 98896, MedGen C0013264, MONDO:0010679, OMIM 310200.

Allele frequency attached by ClinVar (database versions not stated): gnomAD exomes 0.00001; gnomAD 0.00002; TOPMed 0.00004; ESP Exome Variant Server 0.00009.
gnomAD v4.1: 7 of 1,164,622 alleles (0.0006%); highest among the groups gnomAD compares: African/African-American, 0.0089%; no homozygotes.

Submissions (2):

Labcorp Genetics (formerly Invitae), Labcorp
Classification: Likely benign for Duchenne muscular dystrophy. Last evaluated: 2026-01-19. Review status: criteria provided, single submitter. Criteria: Invitae Variant Classification Sherloc (09022015). Collection method: clinical testing. Allele origin: germline.

Ambry Genetics
Classification: Uncertain significance for Cardiovascular phenotype. Last evaluated: 2015-07-01. Review status: criteria provided, single submitter. Criteria: Ambry Variant Classification Scheme 2023. Collection method: clinical testing. Allele origin: germline.
Comment: The c.2380+16G>A intronic alteration consists of a G to A substitution 6 nucleotides after coding exon 19 in the DMD gene. Based on insufficient or conflicting evidence, the clinical significance of this alteration remains unclear.